The following is an entry in ClinVar:

ClinVar aggregate classification (germline): Uncertain significance. Review status: criteria provided, multiple submitters, no conflicts (2 of 4 stars). 2 submissions from 2 submitters: Uncertain significance (2). Last evaluated 2022-05-24.

Conditions:
Nephronophthisis 16 (NPHP16). Identifiers: Orphanet 655, MedGen C3809320, MONDO:0014158, OMIM 615382.

Allele frequency attached by ClinVar (database versions not stated): gnomAD 0.00002; TOPMed 0.00006.
gnomAD v4.1: 4 of 999,820 alleles (0.0004%); highest among the groups gnomAD compares: African/African-American, 0.0035%; no homozygotes.

Submissions (2):

Fulgent Genetics
Classification: Uncertain significance for Nephronophthisis 16. Last evaluated: 2022-05-24. Review status: criteria provided, single submitter. Criteria: ACMG Guidelines, 2015. Collection method: clinical testing. Allele origin: unknown.

Labcorp Genetics (formerly Invitae), Labcorp
Classification: Uncertain significance for Nephronophthisis 16. Last evaluated: 2021-10-22. Review status: criteria provided, single submitter. Criteria: Invitae Variant Classification Sherloc (09022015). Collection method: clinical testing. Allele origin: germline.
Comment: In summary, the available evidence is currently insufficient to determine the role of this variant in disease. Therefore, it has been classified as a Variant of Uncertain Significance. Algorithms developed to predict the effect of missense changes on protein structure and function (SIFT, PolyPhen-2, Align-GVGD) all suggest that this variant is likely to be tolerated. This variant has not been reported in the literature in individuals affected with ANKS6-related conditions. This variant is not present in population databases (gnomAD no frequency). This sequence change replaces glycine, which is neutral and non-polar, with alanine, which is neutral and non-polar, at codon 32 of the ANKS6 protein (p.Gly32Ala).

NM_173551.5(ANKS6):c.95G>C (p.Gly32Ala)

Gene: ANKS6 (ankyrin repeat and sterile alpha motif domain containing 6; minus strand). Cytogenetic location: 9q22.33.
Variant type: single nucleotide variant.
Coding change: c.95G>C on transcript NM_173551.5 (MANE Select); coding-DNA position 95, G replaced by C.
Protein change: p.Gly32Ala; replaces glycine 32 with alanine.
Molecular consequence: missense variant.
Genome position (GRCh38, 1-based): chr9:98,796,397, C>G on the plus strand (G>C on the coding strand, the complement: ANKS6 is on the minus strand). VCF-style: chr9-98796397-C-G. GRCh37 (hg19) VCF-style: chr9-101558679-C-G.
Other names: short protein forms G32A.
Identifiers: ClinVar variation 1436944 (VCV001436944.7), dbSNP rs1337342690, ClinGen allele CA374220666.